The following is an entry in ClinVar:

ClinVar aggregate classification (germline): Uncertain significance. Review status: criteria provided, multiple submitters, no conflicts (2 of 4 stars). 2 submissions from 2 submitters: Uncertain significance (2). Last evaluated 2024-02-27.

Conditions:
Early-infantile DEE. Also called: Early infantile epileptic encephalopathy; Ohtahara syndrome; Early infantile epileptic encephalopathy with suppression bursts. Identifiers: Orphanet 1934, MedGen C0393706, MONDO:0800491.
Developmental and epileptic encephalopathy, 24 (DEE24). Also called: Epileptic encephalopathy, early infantile, 24. Identifiers: Orphanet 442835, MedGen C4014531, MONDO:0014377, OMIM 615871.

Submissions (2):

Pittsburgh Clinical Genomics Laboratory, University of Pittsburgh Medical Center
Classification: Uncertain significance for Developmental and epileptic encephalopathy, 24. Last evaluated: 2024-02-27. Review status: criteria provided, single submitter. Criteria: ACMG Guidelines, 2015. Collection method: clinical testing. Allele origin: germline. Inheritance: Autosomal dominant inheritance. Affected: yes.
Comment: This sequence variant is a single nucleotide substitution (G>A) at position 844 of the coding sequence of the HCN1 gene that results in a glutamic acid to lysine amino acid change at residue 282 of the hyperpolarization activated cyclic nucleotide gated potassium channel 1 protein. This is a previously reported variant (ClinVar 2004527) that has not been observed in an individual affected by HCN1-related disorder in the published literature, to our knowledge. This variant is absent from the gnomAD v.4.0.0 population database (0 of approximately 1,400,000 alleles). Multiple bioinformatic tools predict that this amino acid change would be damaging, and the Glu282 residue at this position is highly conserved across the vertebrate species examined. Studies examining the functional consequence of this variant have not been published, to our knowledge. At this time, there is insufficient evidence to determine if this variant is pathogenic or benign. Therefore, we consider this a variant of uncertain significance. ACMG Criteria: PM2, PP3

Labcorp Genetics (formerly Invitae), Labcorp
Classification: Uncertain significance for Early-infantile DEE. Last evaluated: 2022-06-10. Review status: criteria provided, single submitter. Criteria: Invitae Variant Classification Sherloc (09022015). Collection method: clinical testing. Allele origin: germline.
Comment: In summary, the available evidence is currently insufficient to determine the role of this variant in disease. Therefore, it has been classified as a Variant of Uncertain Significance. Advanced modeling of protein sequence and biophysical properties (such as structural, functional, and spatial information, amino acid conservation, physicochemical variation, residue mobility, and thermodynamic stability) performed at Invitae indicates that this missense variant is expected to disrupt HCN1 protein function. This variant has not been reported in the literature in individuals affected with HCN1-related conditions. This variant is not present in population databases (gnomAD no frequency). This sequence change replaces glutamic acid, which is acidic and polar, with lysine, which is basic and polar, at codon 282 of the HCN1 protein (p.Glu282Lys).

NM_021072.4(HCN1):c.844G>A (p.Glu282Lys)

Gene: HCN1 (hyperpolarization activated cyclic nucleotide gated potassium channel 1; minus strand). Cytogenetic location: 5p12.
Variant type: single nucleotide variant.
Coding change: c.844G>A on transcript NM_021072.4 (MANE Select); coding-DNA position 844, G replaced by A.
Protein change: p.Glu282Lys; replaces glutamic acid 282 with lysine.
Molecular consequence: missense variant.
Genome position (GRCh38, 1-based): chr5:45,645,190, C>T on the plus strand (G>A on the coding strand, the complement: HCN1 is on the minus strand). VCF-style: chr5-45645190-C-T. GRCh37 (hg19) VCF-style: chr5-45645292-C-T.
Other names: short protein forms E282K.
Identifiers: ClinVar variation 2004527 (VCV002004527.5), dbSNP rs2478542822, ClinGen allele CA359706989.